The following is an entry in ClinVar:

NM_004977.3(KCNC3):c.1880G>T (p.Gly627Val)

Gene: KCNC3 (potassium voltage-gated channel subfamily C member 3; minus strand). Cytogenetic location: 19q13.33.
Variant type: single nucleotide variant.
Coding change: c.1880G>T on transcript NM_004977.3 (MANE Select); coding-DNA position 1880, G replaced by T.
Protein change: p.Gly627Val; replaces glycine 627 with valine.
Molecular consequence: missense variant.
Genome position (GRCh38, 1-based): chr19:50,323,073, C>A on the plus strand (G>T on the coding strand, the complement: KCNC3 is on the minus strand). VCF-style: chr19-50323073-C-A. GRCh37 (hg19) VCF-style: chr19-50826330-C-A.
Other names: c.1652G>T, p.Gly551Val (NM_001372305.1); short protein forms G551V, G627V.
Identifiers: ClinVar variation 3373720 (VCV003373720.1).
Genomic context (GRCh38, chr19:50,323,073, plus strand): 5'-GGGCAAGGCTCGCCGGGGGCTGGCAGAGGAGGCAGCCCCATGATCCCCAGCCCACCCGCT[C>A]CCCCCCTGAGCAGCCCGGGGTGCGTGTGGGGCCCCGCTGGGTAGGCCCCGGCCACAGTCA-3'
Protein context (NP_004968.2, residues 617-637): PHTHPGLLRG[Gly627Val]AGGLGIMGLP

ClinVar aggregate classification (germline): Uncertain significance (1 of 4 stars; one submission).

Submission:

GeneDx
Classification: Uncertain significance. Last evaluated: 2024-03-10. Review status: criteria provided, single submitter. Criteria: GeneDx Variant Classification Process June 2021. Collection method: clinical testing. Allele origin: germline. Affected: yes.
Comment: Not observed at significant frequency in large population cohorts (gnomAD); In silico analysis supports that this missense variant does not alter protein structure/function; Has not been previously published as pathogenic or benign to our knowledge